The following is an entry in ClinVar:

ClinVar aggregate classification (germline): Pathogenic/Likely pathogenic. Review status: criteria provided, multiple submitters, no conflicts (2 of 4 stars). 8 submissions from 8 submitters: Pathogenic (2); Likely pathogenic (6). Last evaluated 2025-02-10.

Conditions:
Lynch syndrome 4 (LYNCH4). Also called: Hereditary non-polyposis colorectal cancer, type 4; Colorectal cancer, hereditary nonpolyposis, type 4. Identifiers: Orphanet 144, MedGen C1838333, MONDO:0013699, OMIM 614337. Disease mechanism: loss of function.
Mismatch repair cancer syndrome 4. Identifiers: MedGen C5436817, MONDO:0030843, OMIM 619101.
Hereditary nonpolyposis colorectal neoplasms. Identifiers: MedGen C0009405, MeSH D003123.
Hereditary nonpolyposis colon cancer (HNPCC). Also called: Hereditary Nonpolyposis Colorectal Cancer Syndrome; Hereditary nonpolyposis colorectal cancer; Familial nonpolyposis colon cancer. Identifiers: Orphanet 443909, MedGen C1333990, MONDO:0018630. Disease mechanism: loss of function.
Hereditary cancer-predisposing syndrome. Also called: Hereditary neoplastic syndrome; Hereditary Cancer Syndrome; Neoplastic Syndromes, Hereditary; Tumor predisposition. Identifiers: Orphanet 140162, MedGen C0027672, MeSH D009386, MONDO:0015356.

Allele frequency attached by ClinVar (database versions not stated): TOPMed below 0.00001.

Submissions (8):

Labcorp Genetics (formerly Invitae), Labcorp
Classification: Likely pathogenic for Hereditary nonpolyposis colorectal neoplasms. Last evaluated: 2025-02-10. Review status: criteria provided, single submitter. Criteria: Invitae Variant Classification Sherloc (09022015). Collection method: clinical testing. Allele origin: germline.
Comment: This sequence change affects a donor splice site in intron 4 of the PMS2 gene. It is expected to disrupt RNA splicing. Variants that disrupt the donor or acceptor splice site typically lead to a loss of protein function (PMID: 16199547), and loss-of-function variants in PMS2 are known to be pathogenic (PMID: 21376568, 24362816). This variant is not present in population databases (gnomAD no frequency). Disruption of this splice site has been observed in individual(s) with head and neck squamous cell carcinoma (PMID: 26689913, 36451132). ClinVar contains an entry for this variant (Variation ID: 234652). Algorithms developed to predict the effect of sequence changes on RNA splicing suggest that this variant may disrupt the consensus splice site. In summary, the currently available evidence indicates that the variant is pathogenic, but additional data are needed to prove that conclusively. Therefore, this variant has been classified as Likely Pathogenic.

GeneDx
Classification: Pathogenic. Last evaluated: 2024-08-09. Review status: criteria provided, single submitter. Criteria: GeneDx Variant Classification Process June 2021. Collection method: clinical testing. Allele origin: germline. Affected: yes.
Comment: Canonical splice site variant predicted to result in a null allele in a gene for which loss of function is a known mechanism of disease; Not observed in large population cohorts (gnomAD); Identified at 55% allele fraction in a small round cell lung tumor demonstrating high microsatellite instability and mutation burden (PMID: 36090644); This variant is associated with the following publications: (PMID: 21376568, 16199547, 24362816, 26689913, 36451132, 36090644)

Ambry Genetics
Classification: Pathogenic for Hereditary cancer-predisposing syndrome. Last evaluated: 2024-06-28. Review status: criteria provided, single submitter. Criteria: Ambry Variant Classification Scheme 2023. Collection method: clinical testing. Allele origin: germline.
Comment: The c.353+1G>A intronic pathogenic mutation results from a G to A substitution one nucleotide after coding exon 4 of the PMS2 gene. This alteration has been identified in several probands whose Lynch syndrome associated tumors demonstrated isolated loss of PMS2 staining on immunohistochemistry (IHC) (Ambry internal data). This alteration has been reported in a head and neck squamous cell carcinoma cancer patient from a cohort of 4034 cancer cases from The Cancer Genome Atlas (Lu C et al. Nat Commun. 2015 Dec 22;6:10086). Another alteration impacting the same donor site (c.353G>A) has been shown to have a similar impact on splicing and has also been identified in individuals whose Lynch syndrome-associated tumors demonstrated isolated loss of PMS2 staining on IHC (Ambry internal data). This variant is considered to be rare based on population cohorts in the Genome Aggregation Database (gnomAD). This nucleotide position is highly conserved in available vertebrate species. In silico splice site analysis predicts that this alteration will weaken the native splice donor site. RNA studies have demonstrated that this alteration results in abnormal splicing in the set of samples tested (Ambry internal data). In addition to the clinical data presented in the literature, alterations that disrupt the canonical splice site are expected to cause aberrant splicing, resulting in an abnormal protein or a transcript that is subject to nonsense-mediated mRNA decay. As such, this alteration is classified as a disease-causing mutation.

Myriad Genetics, Inc.
Classification: Likely pathogenic for Lynch syndrome 4. Last evaluated: 2023-09-18. Review status: criteria provided, single submitter. Criteria: Myriad Autosomal Dominant, Autosomal Recessive and X-Linked Classification Criteria (2023). Collection method: clinical testing. Allele origin: unknown.
Comment: This variant is considered likely pathogenic. This variant occurs within a consensus splice junction and is predicted to result in abnormal mRNA splicing of either an out-of-frame exon or an in-frame exon necessary for protein stability and/or normal function.

St. Jude Molecular Pathology, St. Jude Children's Research Hospital
Classification: Likely pathogenic for Lynch syndrome 4. Last evaluated: 2022-12-01. Review status: criteria provided, single submitter. Criteria: St. Jude Assertion Criteria 2020. Collection method: clinical testing. Allele origin: germline.
Comment: The PMS2 c.353+1G>A intronic change results in a G to A substitution at the +1 position of intron 4 of the PMS2 gene. This variant is predicted to result in loss of the native splice donor site and abnormal gene splicing, resulting in nonsense-mediated decay or abnormal protein product. This variant is absent in gnomAD v2.1.1. It has been reported in one individual with head and neck squamous cell carcinoma (PMID: 26689913). To our knowledge, this variant has not been reported in individuals with Lynch syndrome or CMMRD. In summary, this variant meets criteria to be classified as likely pathogenic.

Women's Health and Genetics/Laboratory Corporation of America, LabCorp
Classification: Likely pathogenic for Hereditary nonpolyposis colon cancer. Last evaluated: 2022-05-05. Review status: criteria provided, single submitter. Criteria: LabCorp Variant Classification Summary - May 2015. Collection method: clinical testing. Allele origin: germline.
Comment: Variant summary: PMS2 c.353+1G>A is located in a canonical splice-site and is predicted to affect mRNA splicing resulting in a significantly altered protein due to either exon skipping, shortening, or inclusion of intronic material. Several computational tools predict a significant impact on normal splicing: Three predict the variant abolishes a 5' splicing donor site. However, these predictions have yet to be confirmed by functional studies. The variant was absent in 234822 control chromosomes (gnomAD). c.353+1G>A has been reported in the literature in an individual affected with head and neck squamous cell carcinoma (Lu_2015). This report does not provide unequivocal conclusions about association of the variant with Lynch Syndrome. To our knowledge, no experimental evidence demonstrating an impact on protein function has been reported. Four ClinVar submitters (evaluation after 2014) cite the variant as likely pathogenic. Based on the evidence outlined above, the variant was classified as likely pathogenic.

Color Diagnostics, LLC DBA Color Health
Classification: Likely pathogenic for Hereditary cancer-predisposing syndrome. Last evaluated: 2019-12-06. Review status: criteria provided, single submitter. Criteria: ACMG Guidelines, 2015. Collection method: clinical testing. Allele origin: germline.
Comment: This variant causes a G>A nucleotide substitution at the +1 position of intron 4 of the PMS2 gene. Splice site prediction tools predict that this variant may have a significant impact on RNA splicing. To our knowledge, functional studies have not been performed for this variant. This variant has not been reported in individuals affected with hereditary cancer in the literature. This variant has not been identified in the general population by the Genome Aggregation Database (gnomAD). Loss of PMS2 function is a known mechanism of disease. Based on the available evidence, this variant is classified as Likely Pathogenic.

Juno Genomics, Hangzhou Juno Genomics, Inc
Classification: Likely pathogenic for Lynch syndrome 4; Mismatch repair cancer syndrome 4. Review status: criteria provided, single submitter. Criteria: ACMG Guidelines, 2015. Collection method: clinical testing. Allele origin: germline.
Comment: Absent from controls (or at extremely low frequency if recessive) in Genome Aggregation Database.;Null variant in a gene where loss of function (LOF) is a known mechanism of disease.

Literature cited by the submitters: PubMed 16199547 (cited by Labcorp Genetics (formerly Invitae), Labcorp); PubMed 21376568 (cited by Labcorp Genetics (formerly Invitae), Labcorp); PubMed 24362816 (cited by Labcorp Genetics (formerly Invitae), Labcorp); PubMed 26689913 (cited by 3 submitters); PubMed 36451132 (cited by Labcorp Genetics (formerly Invitae), Labcorp).

NM_000535.7(PMS2):c.353+1G>A

Gene: PMS2 (PMS1 homolog 2, mismatch repair system component; minus strand). Cytogenetic location: 7p22.1.
Variant type: single nucleotide variant.
Coding change: c.353+1G>A on transcript NM_000535.7 (MANE Select); the canonical splice donor site of the intron after coding-DNA position 353, G replaced by A.
Molecular consequence: splice donor variant. On other transcripts: intron variant (22).
Genome position (GRCh38, 1-based): chr7:6,003,689, C>T on the plus strand (G>A on the coding strand, the complement: PMS2 is on the minus strand). VCF-style: chr7-6003689-C-T. GRCh37 (hg19) VCF-style: chr7-6043320-C-T.
Other names: c.353+1G>A (NM_001406873.1, NM_001406912.1, NM_001322006.2 and 8 more transcripts); c.-132+1G>A (NM_001406878.1, NM_001406882.1, NM_001406875.1 and 3 more transcripts); c.377+1G>A (NM_001406868.1); c.-53+1G>A (NM_001406891.1, NM_001406893.1, NM_001406898.1 and 13 more transcripts); c.-53+54G>A (NM_001406899.1, NM_001406894.1, NM_001406895.1 and 6 more transcripts); c.539+1G>A (NM_001406866.1); c.35+283G>A (NM_001322008.2, NM_001406902.1, NM_001406883.1 and 4 more transcripts); c.-132+283G>A (NM_001406881.1, NM_001406900.1); and 5 more.
Identifiers: ClinVar variation 234652 (VCV000234652.27), dbSNP rs113517055, ClinGen allele CA10577352.